The following is an entry in ClinVar:

NM_001244008.2(KIF1A):c.3637C>T (p.Pro1213Ser)

Gene: KIF1A (kinesin family member 1A; minus strand). Cytogenetic location: 2q37.3.
Variant type: single nucleotide variant.
Coding change: c.3637C>T on transcript NM_001244008.2 (MANE Select); coding-DNA position 3637, C replaced by T.
Protein change: p.Pro1213Ser; replaces proline 1213 with serine.
Molecular consequence: missense variant.
Genome position (GRCh38, 1-based): chr2:240,742,932, G>A on the plus strand (C>T on the coding strand, the complement: KIF1A is on the minus strand). VCF-style: chr2-240742932-G-A. GRCh37 (hg19) VCF-style: chr2-241682349-G-A.
Other names: c.3361C>T, p.Pro1121Ser (NM_001320705.2, NM_001330289.2, NM_001379638.1); c.3436C>T, p.Pro1146Ser (NM_001330290.2, NM_001379634.1, NM_001379635.1 and 1 more transcripts); c.3712C>T, p.Pro1238Ser (NM_001379631.1); c.3586C>T, p.Pro1196Ser (NM_001379632.1); c.3610C>T, p.Pro1204Ser (NM_001379633.1, NM_001379642.1, NM_001379645.1); c.3334C>T, p.Pro1112Ser (NM_001379636.1, NM_001379639.1, NM_001379641.1 and 5 more transcripts); c.3409C>T, p.Pro1137Ser (NM_001379637.1, NM_001379648.1); c.3331C>T, p.Pro1111Ser (NM_001379640.1); short protein forms P1111S, P1137S, P1146S, P1213S, P1121S, P1112S, P1196S, P1204S.
Identifiers: ClinVar variation 4782589 (VCV004782589.1).
Genomic context (GRCh38, chr2:240,742,932, plus strand): 5'-AGCACCCACAGTGAGGGGAGCTCACTGCCCTGAGACGGCTCCAGAGACCCTTCCTACCTG[G>A]CTTGGACAGTGGCATGACCCGAGGGAAGTGGCGGCGCGAGGGCCTCAGGGGGCTGTGGAG-3'
Protein context (NP_001230937.1, residues 1203-1223): HFPRVMPLSK[Pro1213Ser]VPATKLSTLT

ClinVar aggregate classification (germline): Uncertain significance (1 of 4 stars; one submission).

Conditions:
Neuropathy, hereditary sensory, type 2C. Also called: KIF1A-Related HSAN2 (HSAN2C); Hereditary sensory and autonomic neuropathy type IIC. Identifiers: Orphanet 970, MedGen C3280168, MONDO:0013634, OMIM 614213.
Hereditary spastic paraplegia 30. Identifiers: Orphanet 101010, MedGen C5235139, MONDO:0012476.
Intellectual disability, autosomal dominant 9 (NESCAVS). Also called: KIF1A-Related Neurodevelopmental Disorder; NESCAV SYNDROME. Identifiers: Orphanet 662367, MedGen C5393830, MONDO:0013656, OMIM 614255.

gnomAD v4.1: 1 of 1,611,242 alleles (0.000062%); highest among the groups gnomAD compares: South Asian, 0.0011%; no homozygotes.

Submission:

Labcorp Genetics (formerly Invitae), Labcorp
Classification: Uncertain significance for Hereditary spastic paraplegia 30; Neuropathy, hereditary sensory, type 2C; Intellectual disability, autosomal dominant 9. Last evaluated: 2025-11-03. Review status: criteria provided, single submitter. Criteria: Invitae Variant Classification Sherloc (09022015). Collection method: clinical testing. Allele origin: germline.
Comment: This sequence change replaces proline, which is neutral and non-polar, with serine, which is neutral and polar, at codon 1112 of the KIF1A protein (p.Pro1112Ser). This variant is not present in population databases (gnomAD no frequency). This variant has not been reported in the literature in individuals affected with KIF1A-related conditions. Invitae Evidence Modeling of protein sequence and biophysical properties (such as structural, functional, and spatial information, amino acid conservation, physicochemical variation, residue mobility, and thermodynamic stability) indicates that this missense variant is not expected to disrupt KIF1A protein function with a negative predictive value of 95%. In summary, the available evidence is currently insufficient to determine the role of this variant in disease. Therefore, it has been classified as a Variant of Uncertain Significance.